The following is an entry in ClinVar:

NM_001042492.3(NF1):c.3392_3401del (p.Lys1131fs)

Gene: NF1 (neurofibromin 1; plus strand). Cytogenetic location: 17q11.2.
Variant type: Deletion.
Coding change: c.3392_3401del on transcript NM_001042492.3 (MANE Select); coding-DNA positions 3392 to 3401, 10 bases deleted (AACGTGGCAT; older notation c.3392_3401delAACGTGGCAT).
Protein change: p.Lys1131fs; shifts the reading frame from lysine 1131.
Molecular consequence: frameshift variant.
Genome position (GRCh38, 1-based): chr17:31,232,777-31,232,786, AACGTGGCAT deleted. VCF-style (leftmost placement, unchanged base first): chr17-31232776-AAACGTGGCAT-A. GRCh37 (hg19) VCF-style: chr17-29559794-AAACGTGGCAT-A.
Other names: c.3392_3401delAACGTGGCAT, p.Lys1131Serfs (NM_000267.4); short protein forms K1131fs.
Identifiers: ClinVar variation 942950 (VCV000942950.6), dbSNP rs2067135965, ClinGen allele CA1139665335.

ClinVar aggregate classification (germline): Pathogenic (1 of 4 stars; one submission).

Conditions:
Neurofibromatosis, type 1 (NF1). Also called: Peripheral type neurofibromatosis; Neurofibromatosis, type I; VON RECKLINGHAUSEN DISEASE; NEUROFIBROMATOSIS, TYPE I, SOMATIC. Identifiers: Orphanet 636, MedGen C0027831, MONDO:0018975, OMIM 162200. Disease mechanism: loss of function.

Submission:

Labcorp Genetics (formerly Invitae), Labcorp
Classification: Pathogenic for Neurofibromatosis, type 1. Last evaluated: 2019-06-30. Review status: criteria provided, single submitter. Criteria: Invitae Variant Classification Sherloc (09022015). Collection method: clinical testing. Allele origin: germline.
Comment: Loss-of-function variants in NF1 are known to be pathogenic (PMID: 10712197, 23913538). For these reasons, this variant has been classified as Pathogenic. This variant has not been reported in the literature in individuals with NF1-related conditions. This sequence change creates a premature translational stop signal (p.Lys1131Serfs*8) in the NF1 gene. It is expected to result in an absent or disrupted protein product. This variant is not present in population databases (ExAC no frequency).

Literature cited by the submitters: PubMed 10712197; PubMed 23913538.